The following is an entry in ClinVar:

ClinVar aggregate classification (germline): Uncertain significance. Review status: criteria provided, multiple submitters, no conflicts (2 of 4 stars). 3 submissions from 3 submitters: Uncertain significance (3). Last evaluated 2025-05-19.

Conditions:
Hereditary cancer-predisposing syndrome. Also called: Hereditary neoplastic syndrome; Hereditary Cancer Syndrome; Neoplastic Syndromes, Hereditary; Tumor predisposition. Identifiers: Orphanet 140162, MedGen C0027672, MeSH D009386, MONDO:0015356.
Ataxia-telangiectasia syndrome (AT). Also called: Ataxia-telangiectasia, complementation group D; Cerebello-oculocutaneous telangiectasia; Immunodeficiency with ataxia telangiectasia; ATAXIA-TELANGIECTASIA, COMPLEMENTATION GROUP A; ATAXIA-TELANGIECTASIA, FRESNO VARIANT; LOUIS-BAR SYNDROME. Identifiers: Orphanet 100, MedGen C0004135, MONDO:0008840, OMIM 208900.

Allele frequency attached by ClinVar (database versions not stated): TOPMed below 0.00001.

Submissions (3):

Ambry Genetics
Classification: Uncertain significance for Hereditary cancer-predisposing syndrome. Last evaluated: 2025-05-19. Review status: criteria provided, single submitter. Criteria: Ambry Variant Classification Scheme 2023. Collection method: clinical testing. Allele origin: germline.
Comment: The p.I1332L variant (also known as c.3994A>C) is located in coding exon 26 of the ATM gene. The isoleucine at codon 1332 is replaced by leucine, an amino acid with highly similar properties. This change occurs in the first base pair of coding exon 26. This amino acid position is conserved. In addition, the in silico prediction for this alteration is inconclusive. Since supporting evidence is limited at this time, the clinical significance of this alteration remains unclear.

Labcorp Genetics (formerly Invitae), Labcorp
Classification: Uncertain significance for Ataxia-telangiectasia syndrome. Last evaluated: 2022-01-22. Review status: criteria provided, single submitter. Criteria: Invitae Variant Classification Sherloc (09022015). Collection method: clinical testing. Allele origin: germline.
Comment: In summary, the available evidence is currently insufficient to determine the role of this variant in disease. Therefore, it has been classified as a Variant of Uncertain Significance. Algorithms developed to predict the effect of missense changes on protein structure and function (SIFT, PolyPhen-2, Align-GVGD) all suggest that this variant is likely to be tolerated. ClinVar contains an entry for this variant (Variation ID: 418931). This variant has not been reported in the literature in individuals affected with ATM-related conditions. This sequence change replaces isoleucine, which is neutral and non-polar, with leucine, which is neutral and non-polar, at codon 1332 of the ATM protein (p.Ile1332Leu). This variant is not present in population databases (gnomAD no frequency).

GeneDx
Classification: Uncertain significance. Last evaluated: 2015-04-21. Review status: criteria provided, single submitter. Criteria: GeneDx Variant Classification (06012015). Collection method: clinical testing. Allele origin: germline. Affected: yes.
Comment: This variant is denoted ATM c.3994A>C at the cDNA level, p.Ile1332Leu (I1332L) at the protein level, and results in the change of an Isoleucine to a Leucine (ATT>CTT). This variant has not, to our knowledge, been published in the literature as pathogenic or benign. ATM Ile1332Leu was not observed in approximately 6,500 individuals of European and African American ancestry in the NHLBI Exome Sequencing Project, indicating it is not a common benign variant in these populations. Since Isoleucine and Leucine share similar properties, this is considered a conservative amino acid substitution. ATM Ile1332Leu occurs at a position that is conserved across mammals and is not located in a known functional domain (Tavtigian 2009). While protein-based in silico analyses are inconsistent regarding the effect this variant may have on protein structure and function, multiple splicing models predict that this variant may destroy the natural splice acceptor site and lead to abnormal splicing. However, in the absence of RNA or functional studies, the actual effect of this variant is unknown. Based on currently available information, it is unclear whether ATM Ile1332Leu is pathogenic or benign. We consider it to be a variant of uncertain significance.

NM_000051.4(ATM):c.3994A>C (p.Ile1332Leu)

Gene: ATM (ATM serine/threonine kinase; plus strand). Cytogenetic location: 11q22.3.
Variant type: single nucleotide variant.
Coding change: c.3994A>C on transcript NM_000051.4 (MANE Select); coding-DNA position 3994, A replaced by C.
Protein change: p.Ile1332Leu; replaces isoleucine 1332 with leucine.
Molecular consequence: missense variant.
Genome position (GRCh38, 1-based): chr11:108,287,600, A>C. VCF-style: chr11-108287600-A-C. GRCh37 (hg19) VCF-style: chr11-108158327-A-C.
Other names: c.3994A>C, p.Ile1332Leu (NM_001351834.2); short protein forms I1332L.
Identifiers: ClinVar variation 418931 (VCV000418931.9), dbSNP rs1064793534, ClinGen allele CA16619171.